The following is an entry in ClinVar:

ClinVar aggregate classification (germline): Pathogenic (1 of 4 stars; one submission).

Conditions:
Gorlin syndrome. Also called: Nevoid Basal Cell Carcinoma Syndrome; Basal cell nevus syndrome. Identifiers: Orphanet 377, MedGen C0004779, MONDO:0007187.

Submission:

Labcorp Genetics (formerly Invitae), Labcorp
Classification: Pathogenic for Gorlin syndrome. Last evaluated: 2019-12-20. Review status: criteria provided, single submitter. Criteria: Invitae Variant Classification Sherloc (09022015). Collection method: clinical testing. Allele origin: germline.
Comment: A gross deletion of the genomic region encompassing the full coding sequence of the PTCH1 gene has been identified. The boundaries of this event are unknown as the deletion extends beyond the assayed region for this gene and therefore may encompass additional genes. Similar deletions of the full coding sequence have been observed in individuals affected with Gorlin syndrome (PMID: 22382802, 17703323). Loss-of-function variants in PTCH1 are known to be pathogenic (PMID: 16301862, 16419085). For these reasons, this variant has been classified as Pathogenic.

Literature cited by the submitters: PubMed 17703323; PubMed 22382802.

NC_000009.12:g.(?_95446912)_(95516818_?)del

Gene: PTCH1 (patched 1; minus strand). Cytogenetic location: 9q22.32.
Variant type: Deletion.
Identifiers: ClinVar variation 830750 (VCV000830750.1).